The following is an entry in ClinVar:

ClinVar aggregate classification (germline): Uncertain significance (1 of 4 stars; one submission).

Conditions:
Werner syndrome (WRN). Identifiers: Orphanet 902, MedGen C0043119, MONDO:0010196, OMIM 277700.

Submission:

Labcorp Genetics (formerly Invitae), Labcorp
Classification: Uncertain significance for Werner syndrome. Last evaluated: 2023-10-05. Review status: criteria provided, single submitter. Criteria: Invitae Variant Classification Sherloc (09022015). Collection method: clinical testing. Allele origin: germline.
Comment: This sequence change replaces alanine, which is neutral and non-polar, with serine, which is neutral and polar, at codon 869 of the WRN protein (p.Ala869Ser). This variant is not present in population databases (gnomAD no frequency). This variant has not been reported in the literature in individuals affected with WRN-related conditions. An algorithm developed to predict the effect of missense changes on protein structure and function (PolyPhen-2) suggests that this variant is likely to be tolerated. In summary, the available evidence is currently insufficient to determine the role of this variant in disease. Therefore, it has been classified as a Variant of Uncertain Significance.

NM_000553.6(WRN):c.2605G>T (p.Ala869Ser)

Gene: WRN (WRN RecQ like helicase; plus strand). Cytogenetic location: 8p12.
Variant type: single nucleotide variant.
Coding change: c.2605G>T on transcript NM_000553.6 (MANE Select); coding-DNA position 2605, G replaced by T.
Protein change: p.Ala869Ser; replaces alanine 869 with serine.
Molecular consequence: missense variant.
Genome position (GRCh38, 1-based): chr8:31,120,399, G>T. VCF-style: chr8-31120399-G-T. GRCh37 (hg19) VCF-style: chr8-30977915-G-T.
Other names: short protein forms A869S.
Identifiers: ClinVar variation 2902760 (VCV002902760.3), dbSNP rs2130323107, ClinGen allele CA370915751.